The following is an entry in ClinVar:

ClinVar aggregate classification (germline): Likely pathogenic (1 of 4 stars; one submission).

Submission:

CeGaT Center for Human Genetics Tuebingen
Classification: Likely pathogenic. Last evaluated: 2026-03-01. Review status: criteria provided, single submitter. Criteria: CeGaT Center For Human Genetics Tuebingen Variant Classification Criteria Version 2. Collection method: clinical testing. Allele origin: germline. Affected: yes. Observed: 1 variant allele.
Comment: YY1: PVS1:Strong, PM2

NM_003403.5(YY1):c.1146del (p.Tyr383fs)

Gene: YY1 (YY1 transcription factor; plus strand). Cytogenetic location: 14q32.2.
Variant type: Deletion.
Coding change: c.1146del on transcript NM_003403.5 (MANE Select); coding-DNA position 1146, one base deleted (C; older notation c.1146delC).
Protein change: p.Tyr383fs; shifts the reading frame from tyrosine 383.
Molecular consequence: frameshift variant.
Genome position (GRCh38, 1-based): chr14:100,277,501, C deleted; the last of 3 consecutive C bases (chr14:100,277,499-100,277,501); deleting any one gives the same sequence. VCF-style (leftmost placement, unchanged base first): chr14-100277498-GC-G. GRCh37 (hg19) VCF-style: chr14-100743835-GC-G.
Other names: short protein forms Y383fs.
Identifiers: ClinVar variation 4823766 (VCV004823766.4).
Genomic context (GRCh38, chr14:100,277,498, plus strand): 5'-GAAACGCTTTTCACTGGACTTCAATTTGCGCACACATGTGCGAATCCATACCGGAGACAG[GC>G]CCTATGTGTGCCCCTTCGATGGTTGTAATAAGAAGTTTGCTCAGTCAACTAACCTGAAAT-3'